The following is an entry in ClinVar:

ClinVar aggregate classification (germline): Likely pathogenic. Review status: criteria provided, multiple submitters, no conflicts (2 of 4 stars). 3 submissions from 3 submitters: Likely pathogenic (2). 1 of the submissions does not count toward it. Last evaluated 2024-06-11.

Conditions:
Fanconi anemia complementation group I (FANCI). Also called: FANCI-Related Fanconi Anemia. Identifiers: Orphanet 84, MedGen C1836861, MONDO:0012186, OMIM 609053.

Allele frequency attached by ClinVar (database versions not stated): TOPMed below 0.00001; gnomAD 0.00001; gnomAD exomes 0.00001.
gnomAD v4.1: 17 of 1,592,588 alleles (0.0011%); highest among the groups gnomAD compares: Non-Finnish European, 0.0015%; no homozygotes.

Submissions (3):

Fulgent Genetics
Classification: Likely pathogenic for Fanconi anemia complementation group I. Last evaluated: 2024-06-11. Review status: criteria provided, single submitter. Criteria: ACMG Guidelines, 2015. Collection method: clinical testing. Allele origin: germline.

Baylor Genetics
Classification: Likely pathogenic for Fanconi anemia complementation group I. Last evaluated: 2023-07-12. Review status: criteria provided, single submitter. Criteria: ACMG Guidelines, 2015. Collection method: clinical testing. Allele origin: unknown.

Leiden Open Variation Database
Classification: Pathogenic for Fanconi anemia complementation group I. Last evaluated: 2011-02-07. Review status: no assertion criteria provided. Collection method: curation. Allele origin: germline. Affected: yes. Not counted in ClinVar's aggregate classification.
Comment: Curator: Arleen D. Auerbach. Submitter to LOVD: Arleen D. Auerbach.

Literature cited by the submitters: PubMed 17452773 (cited by Leiden Open Variation Database).

NM_001113378.2(FANCI):c.3006+3A>G

Gene: FANCI (FA complementation group I; plus strand). Cytogenetic location: 15q26.1.
Variant type: single nucleotide variant.
Coding change: c.3006+3A>G on transcript NM_001113378.2 (MANE Select); 3 bases into the intron after coding-DNA position 3006, A replaced by G.
Molecular consequence: intron variant.
Genome position (GRCh38, 1-based): chr15:89,301,445, A>G. VCF-style: chr15-89301445-A-G. GRCh37 (hg19) VCF-style: chr15-89844676-A-G.
Other names: c.2826+3A>G (NM_018193.3); c.3006+3A>G (NM_001376911.1); c.2727+3A>G (NM_001376910.1).
Identifiers: ClinVar variation 929729 (VCV000929729.3), dbSNP rs1294973649, ClinGen allele CA716866297.